The following is an entry in ClinVar:

NM_004333.6(BRAF):c.1085G>T (p.Arg362Leu)

Genes: BRAF (B-Raf proto-oncogene, serine/threonine kinase; minus strand), LOC126860202 (BRD4-independent group 4 enhancer GRCh37_chr7:140493623-140494822; plus strand). Cytogenetic location: 7q34.
Variant type: single nucleotide variant.
Coding change: c.1085G>T on transcript NM_004333.6 (MANE Select); coding-DNA position 1085, G replaced by T.
Protein change: p.Arg362Leu; replaces arginine 362 with leucine.
Molecular consequence: missense variant.
Genome position (GRCh38, 1-based): chr7:140,794,363, C>A on the plus strand (G>T on the coding strand, the complement: BRAF is on the minus strand). VCF-style: chr7-140794363-C-A. GRCh37 (hg19) VCF-style: chr7-140494163-C-A.
Other names: c.1085G>T, p.Arg362Leu (NM_001354609.2, NM_001374244.1, NM_001374258.1 and 4 more transcripts); c.1094G>T, p.Arg365Leu (NM_001378467.1); c.983G>T, p.Arg328Leu (NM_001378470.1); c.929G>T, p.Arg310Leu (NM_001378472.1, NM_001378473.1); c.821G>T, p.Arg274Leu (NM_001378475.1); short protein forms R310L, R274L, R328L, R362L, R365L.
Identifiers: ClinVar variation 1972615 (VCV001972615.5), dbSNP rs1469574556, ClinGen allele CA369589793.

ClinVar aggregate classification (germline): Uncertain significance (1 of 4 stars; one submission).

Conditions:
RASopathy. Also called: rasopathies; Noonan spectrum disorder. Identifiers: Orphanet 536391, MedGen C5555857, MONDO:0021060.

Submission:

Labcorp Genetics (formerly Invitae), Labcorp
Classification: Uncertain significance for RASopathy. Last evaluated: 2022-04-01. Review status: criteria provided, single submitter. Criteria: Invitae Variant Classification Sherloc (09022015). Collection method: clinical testing. Allele origin: germline.
Comment: This sequence change replaces arginine, which is basic and polar, with leucine, which is neutral and non-polar, at codon 362 of the BRAF protein (p.Arg362Leu). This variant is not present in population databases (gnomAD no frequency). This variant has not been reported in the literature in individuals affected with BRAF-related conditions. Advanced modeling of protein sequence and biophysical properties (such as structural, functional, and spatial information, amino acid conservation, physicochemical variation, residue mobility, and thermodynamic stability) performed at Invitae indicates that this missense variant is expected to disrupt BRAF protein function. In summary, the available evidence is currently insufficient to determine the role of this variant in disease. Therefore, it has been classified as a Variant of Uncertain Significance.